The following is an entry in ClinVar:

NM_000082.4(ERCC8):c.942C>T (p.Ser314=)

Gene: ERCC8 (ERCC excision repair 8, CSA ubiquitin ligase complex subunit; minus strand). Cytogenetic location: 5q12.1.
Variant type: single nucleotide variant.
Coding change: c.942C>T on transcript NM_000082.4 (MANE Select); coding-DNA position 942, C replaced by T.
Protein change: p.Ser314=; no amino-acid change (serine 314 retained).
Molecular consequence: synonymous variant.
Genome position (GRCh38, 1-based): chr5:60,890,988, G>A on the plus strand (C>T on the coding strand, the complement: ERCC8 is on the minus strand). VCF-style: chr5-60890988-G-A. GRCh37 (hg19) VCF-style: chr5-60186815-G-A.
Other names: p.Ser314=; c.942C>T (NM_000082.3); c.768C>T, p.Ser256= (NM_001007233.3); c.483C>T, p.Ser161= (NM_001290285.2).
Identifiers: ClinVar variation 1627257 (VCV001627257.10), dbSNP rs760761028, ClinGen allele CA3277677.

ClinVar aggregate classification (germline): Likely benign. Review status: criteria provided, multiple submitters, no conflicts (2 of 4 stars). 2 submissions from 2 submitters: Likely benign (2). Last evaluated 2025-09-05.

Allele frequency attached by ClinVar (database versions not stated): gnomAD exomes below 0.00001 and 0.00001; ExAC 0.00001; TOPMed 0.00001.
gnomAD v4.1: 5 of 1,612,380 alleles (0.00031%); highest among the groups gnomAD compares: Admixed American, 0.0033%; no homozygotes.

Submissions (2):

Mayo Clinic Laboratories, Mayo Clinic
Classification: Likely benign. Last evaluated: 2025-09-05. Review status: criteria provided, single submitter. Criteria: ACMG Guidelines, 2015. Collection method: clinical testing. Allele origin: germline. Observed: 1 variant allele.
Comment: BP4, BP7

Labcorp Genetics (formerly Invitae), Labcorp
Classification: Likely benign. Last evaluated: 2022-02-18. Review status: criteria provided, single submitter. Criteria: Invitae Variant Classification Sherloc (09022015). Collection method: clinical testing. Allele origin: germline.